The following is an entry in ClinVar:

ClinVar aggregate classification (germline): Uncertain significance. Review status: criteria provided, multiple submitters, no conflicts (2 of 4 stars). 4 submissions from 4 submitters: Uncertain significance (3). 1 of the submissions does not count toward it. Last evaluated 2022-02-05.

Conditions:
Retinitis pigmentosa (RP). Identifiers: Orphanet 791, MedGen C0035334, MeSH D012174, MONDO:0019200, OMIM 268000. Inheritance: Autosomal dominant, autosomal recessive and X linked inheritance.
Retinitis pigmentosa 25 (RP25). Identifiers: Orphanet 791, MedGen C1864446, MONDO:0011272, OMIM 602772.

Allele frequency attached by ClinVar (database versions not stated): gnomAD 0.00001; gnomAD exomes 0.00001 and 0.00004; TOPMed 0.00002; ExAC 0.00006.
gnomAD v4.1: 55 of 1,548,422 alleles (0.0036%); highest among the groups gnomAD compares: Non-Finnish European, 0.0045%; no homozygotes.

Submissions (4):

Labcorp Genetics (formerly Invitae), Labcorp
Classification: Uncertain significance. Last evaluated: 2022-02-05. Review status: criteria provided, single submitter. Criteria: Invitae Variant Classification Sherloc (09022015). Collection method: clinical testing. Allele origin: germline.
Comment: This sequence change replaces leucine, which is neutral and non-polar, with arginine, which is basic and polar, at codon 1873 of the EYS protein (p.Leu1873Arg). This variant is present in population databases (rs750613634, gnomAD 0.004%). This variant has not been reported in the literature in individuals affected with EYS-related conditions. ClinVar contains an entry for this variant (Variation ID: 357704). Algorithms developed to predict the effect of missense changes on protein structure and function are either unavailable or do not agree on the potential impact of this missense change (SIFT: "Deleterious"; PolyPhen-2: "Benign"; Align-GVGD: "Class C0"). In summary, the available evidence is currently insufficient to determine the role of this variant in disease. Therefore, it has been classified as a Variant of Uncertain Significance.

Blueprint Genetics
Classification: Uncertain significance. Last evaluated: 2021-04-21. Review status: criteria provided, single submitter. Criteria: ACMG Guidelines, 2015. Collection method: clinical testing. Allele origin: germline.

Illumina Laboratory Services, Illumina
Classification: Uncertain significance for Retinitis pigmentosa. Last evaluated: 2018-01-12. Review status: criteria provided, single submitter. Criteria: ICSL Variant Classification Criteria 13 December 2019. Collection method: clinical testing. Allele origin: germline.

Natera, Inc.
Classification: Uncertain significance for Retinitis pigmentosa type 25. Last evaluated: 2020-06-24. Review status: no assertion criteria provided. Collection method: clinical testing. Allele origin: germline. Not counted in ClinVar's aggregate classification.

NM_001142800.2(EYS):c.5618T>G (p.Leu1873Arg)

Gene: EYS (EGF-like photoreceptor maintenance factor; minus strand). Cytogenetic location: 6q12.
Variant type: single nucleotide variant.
Coding change: c.5618T>G on transcript NM_001142800.2 (MANE Select); coding-DNA position 5618, T replaced by G.
Protein change: p.Leu1873Arg; replaces leucine 1873 with arginine.
Molecular consequence: missense variant.
Genome position (GRCh38, 1-based): chr6:64,590,249, A>C on the plus strand (T>G on the coding strand, the complement: EYS is on the minus strand). VCF-style: chr6-64590249-A-C. GRCh37 (hg19) VCF-style: chr6-65300142-A-C.
Other names: c.5618T>G, p.Leu1873Arg (NM_001292009.2); short protein forms L1873R.
Identifiers: ClinVar variation 357704 (VCV000357704.9), dbSNP rs750613634, ClinGen allele CA3877004.